The following is an entry in ClinVar:

ClinVar aggregate classification (germline): Uncertain significance. Review status: criteria provided, multiple submitters, no conflicts (2 of 4 stars). 4 submissions from 4 submitters: Uncertain significance (3). 1 of the submissions does not count toward it. Last evaluated 2026-05-12.

Conditions:
Inborn genetic diseases. Identifiers: MedGen C0950123, MeSH D030342.
Tay-Sachs disease (TSD). Also called: HEXA DEFICIENCY; HEXA Disorders; GM2 gangliosidosis, type 1; Hexosaminidase alpha-subunit deficiency (variant B); Sphingolipidosis, Tay-Sachs; Hexosaminidase A Deficiency. Identifiers: Orphanet 845, MedGen C0039373, MONDO:0010100, OMIM 272800.

Allele frequency attached by ClinVar (database versions not stated): gnomAD 0.00001; gnomAD exomes 0.00003 and 0.00001; TOPMed 0.00002; ExAC 0.00003.
gnomAD v4.1: 12 of 1,611,980 alleles (0.00074%); highest among the groups gnomAD compares: Admixed American, 0.0067%; no homozygotes.

Submissions (4):

Women's Health and Genetics/Laboratory Corporation of America, LabCorp
Classification: Uncertain significance. Last evaluated: 2026-05-12. Review status: criteria provided, single submitter. Criteria: LabCorp Variant Classification Summary - May 2015. Collection method: clinical testing. Allele origin: germline.
Comment: Variant summary: HEXA c.598G>A (p.Val200Met) results in a conservative amino acid change in the encoded protein sequence. Algorithms developed to predict the effect of missense changes on protein structure and function are either unavailable or do not agree on the potential impact of this missense change. The variant allele was found at a frequency of 2.8e-05 in 251476 control chromosomes. The available data on variant occurrences in the general population are insufficient to allow any conclusion about variant significance. c.598G>A has been observed in an individual affected with Tay-Sachs Disease who had a second missense variant in cis (Ainsworth_1992, Coulter-Mackie_1994). This report does not provide unequivocal conclusions about association of the variant with Tay-Sachs Disease. At least one publication reports experimental evidence evaluating an impact on protein function and found the variant resulted in 80%-99% of normal enzymatic activity in vitro (Ainsworth_1992). The following publications have been ascertained in the context of this evaluation (PMID: 1415222, 8198136). ClinVar contains an entry for this variant (Variation ID: 446383). Based on the evidence outlined above, the variant was classified as uncertain significance.

Labcorp Genetics (formerly Invitae), Labcorp
Classification: Uncertain significance for Tay-Sachs disease. Last evaluated: 2022-08-21. Review status: criteria provided, single submitter. Criteria: Invitae Variant Classification Sherloc (09022015). Collection method: clinical testing. Allele origin: germline.
Comment: This sequence change replaces valine, which is neutral and non-polar, with methionine, which is neutral and non-polar, at codon 200 of the HEXA protein (p.Val200Met). This variant is present in population databases (rs1800429, gnomAD 0.007%). This missense change has been observed in individual(s) with Tay-Sachs disease (PMID: 1415222). ClinVar contains an entry for this variant (Variation ID: 446383). Algorithms developed to predict the effect of missense changes on protein structure and function are either unavailable or do not agree on the potential impact of this missense change (SIFT: "Deleterious"; PolyPhen-2: "Probably Damaging"; Align-GVGD: "Class C0"). Experimental studies have shown that this missense change affects HEXA function (PMID: 1415222, 16698036). In summary, the available evidence is currently insufficient to determine the role of this variant in disease. Therefore, it has been classified as a Variant of Uncertain Significance.

Ambry Genetics
Classification: Uncertain significance for Inborn genetic diseases. Last evaluated: 2022-08-03. Review status: criteria provided, single submitter. Criteria: Ambry Variant Classification Scheme 2023. Collection method: clinical testing. Allele origin: germline.

Counsyl
Classification: Uncertain significance for Tay-Sachs disease. Last evaluated: 2017-04-27. Review status: no assertion criteria provided. Collection method: clinical testing. Allele origin: unknown. Not counted in ClinVar's aggregate classification.

Literature cited by the submitters: PubMed 1415222 (cited by 3 submitters); PubMed 8198136 (cited by Women's Health and Genetics/Laboratory Corporation of America, LabCorp); PubMed 16698036 (cited by Labcorp Genetics (formerly Invitae), Labcorp).

NM_000520.6(HEXA):c.598G>A (p.Val200Met)

Gene: HEXA (hexosaminidase subunit alpha; minus strand). Cytogenetic location: 15q23.
Variant type: single nucleotide variant.
Coding change: c.598G>A on transcript NM_000520.6 (MANE Select); coding-DNA position 598, G replaced by A.
Protein change: p.Val200Met; replaces valine 200 with methionine.
Molecular consequence: missense variant. On other transcripts: non-coding transcript variant (1).
Genome position (GRCh38, 1-based): chr15:72,351,207, C>T on the plus strand (G>A on the coding strand, the complement: HEXA is on the minus strand). VCF-style: chr15-72351207-C-T. GRCh37 (hg19) VCF-style: chr15-72643548-C-T.
Other names: c.631G>A, p.Val211Met (NM_001318825.2); short protein forms V200M, V211M.
Identifiers: ClinVar variation 446383 (VCV000446383.7), dbSNP rs1800429, ClinGen allele CA351442.